The following is an entry in ClinVar:

NM_015378.4(VPS13D):c.11370+4A>T

Gene: VPS13D (vacuolar protein sorting 13 homolog D; plus strand). Cytogenetic location: 1p36.22.
Variant type: single nucleotide variant.
Coding change: c.11370+4A>T on transcript NM_015378.4 (MANE Select); 4 bases into the intron after coding-DNA position 11370, A replaced by T.
Molecular consequence: intron variant.
Genome position (GRCh38, 1-based): chr1:12,383,159, A>T. VCF-style: chr1-12383159-A-T. GRCh37 (hg19) VCF-style: chr1-12443218-A-T.
Other names: p.?; c.11295+4A>T (NM_018156.4).
Identifiers: ClinVar variation 711686 (VCV000711686.37), dbSNP rs138489477, ClinGen allele CA603925.
Genomic context (GRCh38, chr1:12,383,159, plus strand): 5'-GGTTCTGGAATGTTATCCATCAGAGTCATCCCAGATGGACCAACTAGAGCACTCCAGGTG[A>T]TAATTTGTCATAAGAGCTGATGTGAAACTCTGTACTTCCTCCACCCCCAATGATTACTCA-3'

ClinVar aggregate classification (germline): Benign/Likely benign. Review status: criteria provided, multiple submitters, no conflicts (2 of 4 stars). 5 submissions from 5 submitters: Benign (2); Likely benign (2). 1 of the submissions does not count toward it. Last evaluated 2026-01-27.

Conditions:
VPS13D-related disorder. Also called: VPS13D-related condition.

Allele frequency attached by ClinVar (database versions not stated): gnomAD exomes 0.00110; ExAC 0.00124; gnomAD 0.00434 and 0.00466; TOPMed 0.00479; 1000 Genomes Project 30x 0.00484; ESP Exome Variant Server 0.00492; 1000 Genomes Project 0.00499.
gnomAD v4.1: 1,306 of 1,607,634 alleles (0.081%); highest among the groups gnomAD compares: African/African-American, 1.5%; 6 homozygotes.

Submissions (7):

Labcorp Genetics (formerly Invitae), Labcorp
Classification: Benign. Last evaluated: 2026-01-27. Review status: criteria provided, single submitter. Criteria: Invitae Variant Classification Sherloc (09022015). Collection method: clinical testing. Allele origin: germline.

Mayo Clinic Laboratories, Mayo Clinic
Classification: Likely benign. Last evaluated: 2025-09-23. Review status: criteria provided, single submitter. Criteria: ACMG Guidelines, 2015. Collection method: clinical testing. Allele origin: germline. Observed: 1 variant allele.
Comment: BA1

Blueprint Genetics
Classification: Likely benign. Last evaluated: 2024-11-13. Review status: criteria provided, single submitter. Criteria: ACMG Guidelines, 2015. Collection method: clinical testing. Allele origin: germline.

CeGaT Center for Human Genetics Tuebingen
Classification: Benign. Last evaluated: 2023-07-01. Review status: criteria provided, single submitter. Criteria: CeGaT Center For Human Genetics Tuebingen Variant Classification Criteria Version 2. Collection method: clinical testing. Allele origin: germline. Affected: yes. Observed: 1 variant allele.
Comment: VPS13D: BS1, BS2

PreventionGenetics, part of Exact Sciences
Classification: Benign for VPS13D-related condition. Last evaluated: 2019-02-26. Review status: no assertion criteria provided. Collection method: clinical testing. Allele origin: germline. Not counted in ClinVar's aggregate classification.
Comment: This variant is classified as benign based on ACMG/AMP sequence variant interpretation guidelines (Richards et al. 2015 PMID: 25741868, with internal and published modifications).

Dr. Peter K. Rogan Lab, Western University
No classification provided (evidence only). Condition: Sarcoma. Review status: no classification provided. Collection method: in vitro. Allele origin: not applicable. Functional consequence: retained intron. Not counted in ClinVar's aggregate classification.

Dr. Peter K. Rogan Lab, Western University
No classification provided (evidence only). Condition: Sarcoma. Review status: no classification provided. Collection method: in vitro. Allele origin: not applicable. Functional consequence: retained intron. Not counted in ClinVar's aggregate classification.